The following is an entry in ClinVar:

NM_052845.4(MMAB):c.2T>C (p.Met1Thr)

Genes: MMAB (metabolism of cobalamin associated B; minus strand), MVK (mevalonate kinase; plus strand). Cytogenetic location: 12q24.11.
Variant type: single nucleotide variant.
Coding change: c.2T>C on transcript NM_052845.4 (MANE Select); coding-DNA position 2, T replaced by C.
Protein change: p.Met1Thr; changes the start codon (methionine 1).
Molecular consequence: missense variant, initiator codon variant. On other transcripts: non-coding transcript variant (1).
Genome position (GRCh38, 1-based): chr12:109,573,479, A>G on the plus strand (T>C on the coding strand, the complement: MMAB is on the minus strand). VCF-style: chr12-109573479-A-G. GRCh37 (hg19) VCF-style: chr12-110011284-A-G.
Other names: short protein forms M1T.
Identifiers: ClinVar variation 225187 (VCV000225187.8), dbSNP rs869320655, ClinGen allele CA358800.

ClinVar aggregate classification (germline): Pathogenic/Likely pathogenic. Review status: criteria provided, multiple submitters, no conflicts (2 of 4 stars). 3 submissions from 3 submitters: Pathogenic (1); Likely pathogenic (1). 1 of the submissions does not count toward it. Last evaluated 2024-05-08.

Conditions:
Methylmalonic aciduria, cblB type (MACB). Also called: Vitamin B12-responsive methylmalonic acidemia type cblB; METHYLMALONIC ACIDURIA, VITAMIN B12-RESPONSIVE, DUE TO DEFECT IN SYNTHESIS OF ADENOSYLCOBALAMIN, cblB TYPE; Methylmalonic acidemia cblB type. Identifiers: Orphanet 28, Orphanet 79311, MedGen C1855102, MONDO:0009614, OMIM 251110.

Allele frequency attached by ClinVar (database versions not stated): gnomAD exomes below 0.00001.
gnomAD v4.1: 2 of 1,602,858 alleles (0.00012%); highest among the groups gnomAD compares: African/African-American, 0.0013%; no homozygotes.

Submissions (3):

Natera, Inc.
Classification: Likely pathogenic for Methylmalonic aciduria cblB type. Last evaluated: 2024-05-08. Review status: criteria provided, single submitter. Criteria: Natera Variant Classification Schema (03/2026). Collection method: clinical testing. Allele origin: germline.
Comment: The c.2T>C variant in MMAB is predicted to result in start loss due to disruption of the initiator methionine. This variant is expected to result in nonsense mediated decay, truncation, or a dysfunctional protein product. This variant is rare in the general population with a frequency below the threshold expected for the associated phenotype(s). Given the available evidence, this variant is classified as Likely Pathogenic.

Labcorp Genetics (formerly Invitae), Labcorp
Classification: Pathogenic for Methylmalonic aciduria, cblB type. Last evaluated: 2022-06-23. Review status: criteria provided, single submitter. Criteria: Invitae Variant Classification Sherloc (09022015). Collection method: clinical testing. Allele origin: germline.
Comment: This sequence change affects the initiator methionine of the MMAB mRNA. The next in-frame methionine is located at codon 202. This variant is present in population databases (no rsID available, gnomAD 0.001%). For these reasons, this variant has been classified as Pathogenic. This variant disrupts a region of the MMAB protein in which other variant(s) (p.Gly97Glu) have been determined to be pathogenic (PMID: 16410054, 20556797). This suggests that this is a clinically significant region of the protein, and that variants that disrupt it are likely to be disease-causing. ClinVar contains an entry for this variant (Variation ID: 225187). This variant has not been reported in the literature in individuals affected with MMAB-related conditions.

Institute of Medical Genetics and Genomics, Sir Ganga Ram Hospital
Classification: Pathogenic for Methylmalonic aciduria, cblB type. Last evaluated: 2015-08-08. Review status: no assertion criteria provided. Collection method: research. Allele origin: germline. Affected: yes. Observed: 1 variant allele. Study: ORGANIC ACIDURIAS. Not counted in ClinVar's aggregate classification.
Comment: Mutation was checked in 100 normal control and was found pathogenic by polyphen2, panther, sift, mutation taster

Missense mutation

Literature cited by the submitters: PubMed 16410054 (cited by Labcorp Genetics (formerly Invitae), Labcorp); PubMed 20556797 (cited by Labcorp Genetics (formerly Invitae), Labcorp).